The following continues an entry in ClinVar:

NM_007294.4(BRCA1):c.5278-1G>C

Gene: BRCA1. ClinVar aggregate classification (germline): Pathogenic. Pathogenic (8).

Submissions 7 to 13 of 13:

Quest Diagnostics Nichols Institute San Juan Capistrano
Classification: Pathogenic. Last evaluated: 2019-06-28. Review status: criteria provided, single submitter. Criteria: Quest Diagnostics criteria. Collection method: clinical testing. Allele origin: germline.
Comment: The variant disrupts a canonical splice site, and is therefore predicted to result in the loss of a functional protein. Found in at least one symptomatic patient, and not found in general population data.

Consortium of Investigators of Modifiers of BRCA1/2 (CIMBA), c/o University of Cambridge
Classification: Pathogenic for Breast-ovarian cancer, familial, susceptibility to, 1. Last evaluated: 2015-10-02. Review status: criteria provided, single submitter. Criteria: CIMBA Mutation Classification guidelines May 2016. Collection method: clinical testing. Allele origin: germline.

BRCAlab, Lund University
Classification: Pathogenic for Breast-ovarian cancer, familial, susceptibility to, 1. Last evaluated: 2022-08-26. Review status: no assertion criteria provided. Collection method: clinical testing. Allele origin: germline. Affected: yes. Not counted in ClinVar's aggregate classification.

Laboratory for Genotyping Development, RIKEN
Classification: Pathogenic for Gastric cancer. Last evaluated: 2021-07-01. Review status: no assertion criteria provided. Collection method: research. Allele origin: germline. Not counted in ClinVar's aggregate classification.

Research Molecular Genetics Laboratory, Women's College Hospital, University of Toronto
Classification: Pathogenic for Hereditary breast ovarian cancer syndrome. Last evaluated: 2014-01-31. Review status: no assertion criteria provided. Collection method: research. Allele origin: germline. Affected: yes. Study: The Canadian Open Genetics Repository (COGR). Not counted in ClinVar's aggregate classification.

Sharing Clinical Reports Project (SCRP)
Classification: Pathogenic for Breast-ovarian cancer, familial 1. Last evaluated: 2010-09-30. Review status: no assertion criteria provided. Collection method: clinical testing. Allele origin: germline. Not counted in ClinVar's aggregate classification.

Brotman Baty Institute, University of Washington
No classification provided (evidence only). Condition: Breast-ovarian cancer, familial 1. Review status: no classification provided. Collection method: in vitro. Allele origin: not applicable. Functional consequence: functionally_abnormal. Not counted in ClinVar's aggregate classification.
ClinVar note: "not provided" was previously submitted as the classification for the variant. However, the classification appeared to be based only on an observation of functional data so it was converted to no classification on 2025-07-30.

Literature cited by the submitters: PubMed 11802208 (cited by Labcorp Genetics (formerly Invitae), Labcorp and Women's Health and Genetics/Laboratory Corporation of America, LabCorp); PubMed 12955716 (cited by 3 submitters); PubMed 16998791 (cited by Labcorp Genetics (formerly Invitae), Labcorp and Women's Health and Genetics/Laboratory Corporation of America, LabCorp); PubMed 27553291 (cited by Labcorp Genetics (formerly Invitae), Labcorp and Quest Diagnostics Nichols Institute San Juan Capistrano); PubMed 28802053 (cited by 4 submitters); PubMed 29176636 (cited by 3 submitters); PubMed 22505045 (cited by 4 submitters); PubMed 29435039 (cited by 4 submitters); PubMed 29752822 (cited by 4 submitters); PubMed 30078507 (cited by 3 submitters); PubMed 30209399 (cited by 4 submitters); PubMed 30287823 (cited by All of Us Research Program, National Institutes of Health and Color Diagnostics, LLC DBA Color Health); PubMed 30720863 (cited by 4 submitters); PubMed 31528241 (cited by 3 submitters); PubMed 35377489 (cited by 3 submitters); PubMed 28294317 (cited by Women's Health and Genetics/Laboratory Corporation of America, LabCorp); PubMed 29446198 (cited by Ambry Genetics); PubMed 30702160 (cited by Ambry Genetics); PubMed 36988593 (cited by Laboratory for Genotyping Development, RIKEN).